The following is an entry in ClinVar:

ClinVar aggregate classification (germline): Uncertain significance (1 of 4 stars; one submission).

Allele frequency attached by ClinVar (database versions not stated): gnomAD exomes below 0.00001.
gnomAD v4.1: 6 of 1,614,192 alleles (0.00037%); highest among the groups gnomAD compares: Admixed American, 0.0067%; no homozygotes.

Submission:

Labcorp Genetics (formerly Invitae), Labcorp
Classification: Uncertain significance. Last evaluated: 2025-10-10. Review status: criteria provided, single submitter. Criteria: Invitae Variant Classification Sherloc (09022015). Collection method: clinical testing. Allele origin: germline.
Comment: This sequence change replaces alanine, which is neutral and non-polar, with aspartic acid, which is acidic and polar, at codon 2718 of the FAT2 protein (p.Ala2718Asp). This variant is not present in population databases (gnomAD no frequency). This variant has not been reported in the literature in individuals affected with FAT2-related conditions. ClinVar contains an entry for this variant (Variation ID: 1982987). Invitae Evidence Modeling of protein sequence and biophysical properties (such as structural, functional, and spatial information, amino acid conservation, physicochemical variation, residue mobility, and thermodynamic stability) indicates that this missense variant is not expected to disrupt FAT2 protein function with a negative predictive value of 80%. In summary, the available evidence is currently insufficient to determine the role of this variant in disease. Therefore, it has been classified as a Variant of Uncertain Significance.

NM_001447.3(FAT2):c.8153C>A (p.Ala2718Asp)

Genes: FAT2 (FAT atypical cadherin 2; minus strand), SLC36A1 (solute carrier family 36 member 1; plus strand). Cytogenetic location: 5q33.1.
Variant type: single nucleotide variant.
Coding change: c.8153C>A on transcript NM_001447.3 (MANE Select); coding-DNA position 8153, C replaced by A.
Protein change: p.Ala2718Asp; replaces alanine 2718 with aspartic acid.
Molecular consequence: missense variant.
Genome position (GRCh38, 1-based): chr5:151,542,974, G>T on the plus strand (C>A on the coding strand, the complement: FAT2 is on the minus strand). VCF-style: chr5-151542974-G-T. GRCh37 (hg19) VCF-style: chr5-150922535-G-T.
Other names: short protein forms A2718D.
Identifiers: ClinVar variation 1982987 (VCV001982987.4), dbSNP rs762191044, ClinGen allele CA361832638.